The following is an entry in ClinVar:

ClinVar aggregate classification (germline): Likely pathogenic (0 of 4 stars; one submission).

Conditions:
ZMYND11-related disorder. Also called: ZMYND11-related condition.

Submission:

PreventionGenetics, part of Exact Sciences
Classification: Likely pathogenic for ZMYND11-related condition. Last evaluated: 2024-04-16. Review status: no assertion criteria provided. Collection method: clinical testing. Allele origin: germline.
Comment: The ZMYND11 c.1597G>T variant is predicted to result in premature protein termination (p.Glu533*). To our knowledge, this variant has not been reported in the literature or in a large population database, indicating this variant is rare. Nonsense variants in ZMYND11 are expected to be pathogenic. This variant is interpreted as likely pathogenic.

NM_001370100.5(ZMYND11):c.1597G>T (p.Glu533Ter)

Genes: ZMYND11 (zinc finger MYND-type containing 11; plus strand), LOC126860802 (BRD4-independent group 4 enhancer GRCh37_chr10:294268-295467; plus strand). Cytogenetic location: 10p15.3.
Variant type: single nucleotide variant.
Coding change: c.1597G>T on transcript NM_001370100.5 (MANE Select); coding-DNA position 1597, G replaced by T.
Protein change: p.Glu533Ter; replaces glutamic acid 533 with a stop codon.
Molecular consequence: nonsense. On other transcripts: non-coding transcript variant (1).
Genome position (GRCh38, 1-based): chr10:248,999, G>T. VCF-style: chr10-248999-G-T. GRCh37 (hg19) VCF-style: chr10-294939-G-T.
Other names: c.1435G>T, p.Glu479Ter (NM_001202464.3, NM_001202467.1, NM_001370103.2 and 6 more transcripts); c.1342G>T, p.Glu448Ter (NM_001202465.3, NM_001370110.2); c.1432G>T, p.Glu478Ter (NM_001202466.3, NM_001370111.2); c.1597G>T, p.Glu533Ter (NM_001202468.1, NM_001370097.3, NM_001370098.2 and 4 more transcripts); c.1546G>T, p.Glu516Ter (NM_001330057.3, NM_001370112.2); c.1504G>T, p.Glu502Ter (NM_001370113.2, NM_001370114.2); c.1594G>T, p.Glu532Ter (NM_001370115.2, NM_212479.4); c.1531G>T, p.Glu511Ter (NM_001370116.2); and 8 more; short protein forms E376*, E414*, E431*, E439*, E448*, E457*, E478*, E479*.
Identifiers: ClinVar variation 3346207 (VCV003346207.1).